The following is an entry in ClinVar:

NM_000376.3(VDR):c.334G>T (p.Glu112Ter)

Gene: VDR (vitamin D receptor; minus strand). Cytogenetic location: 12q13.11.
Variant type: single nucleotide variant.
Coding change: c.334G>T on transcript NM_000376.3 (MANE Select); coding-DNA position 334, G replaced by T.
Protein change: p.Glu112Ter; replaces glutamic acid 112 with a stop codon.
Molecular consequence: nonsense.
Genome position (GRCh38, 1-based): chr12:47,857,632, C>A on the plus strand (G>T on the coding strand, the complement: VDR is on the minus strand). VCF-style: chr12-47857632-C-A. GRCh37 (hg19) VCF-style: chr12-48251415-C-A.
Other names: c.334G>T, p.Glu112Ter (NM_001017535.2, NM_001364085.2, NM_001374661.1 and 1 more transcripts); c.484G>T, p.Glu162Ter (NM_001017536.2); short protein forms E162*, E112*.
Identifiers: ClinVar variation 2696150 (VCV002696150.3), dbSNP rs2539985015, ClinGen allele CA384519588.

ClinVar aggregate classification (germline): Pathogenic (1 of 4 stars; one submission).

Submission:

Labcorp Genetics (formerly Invitae), Labcorp
Classification: Pathogenic. Last evaluated: 2023-11-15. Review status: criteria provided, single submitter. Criteria: Invitae Variant Classification Sherloc (09022015). Collection method: clinical testing. Allele origin: germline.
Comment: This sequence change creates a premature translational stop signal (p.Glu112*) in the VDR gene. It is expected to result in an absent or disrupted protein product. Loss-of-function variants in VDR are known to be pathogenic (PMID: 10204116, 24246681). This variant is not present in population databases (gnomAD no frequency). This variant has not been reported in the literature in individuals affected with VDR-related conditions. For these reasons, this variant has been classified as Pathogenic.

Literature cited by the submitters: PubMed 10204116; PubMed 24246681.